The following is an entry in ClinVar:

ClinVar aggregate classification (germline): Uncertain significance (1 of 4 stars; one submission).

Conditions:
Hereditary cancer-predisposing syndrome. Also called: Hereditary neoplastic syndrome; Tumor predisposition; Hereditary Cancer Syndrome; Neoplastic Syndromes, Hereditary. Identifiers: Orphanet 140162, MedGen C0027672, MeSH D009386, MONDO:0015356.

Submission:

Ambry Genetics
Classification: Uncertain significance for Hereditary cancer-predisposing syndrome. Last evaluated: 2023-06-23. Review status: criteria provided, single submitter. Criteria: Ambry Variant Classification Scheme 2023. Collection method: clinical testing. Allele origin: germline.
Comment: The p.Q2733K variant (also known as c.8197C>A), located in coding exon 15 of the APC gene, results from a C to A substitution at nucleotide position 8197. The glutamine at codon 2733 is replaced by lysine, an amino acid with similar properties. This amino acid position is conserved. In addition, in silico predictors for this gene do not accurately predict pathogenicity. Since supporting evidence is limited at this time, the clinical significance of this alteration remains unclear.

NM_000038.6(APC):c.8197C>A (p.Gln2733Lys)

Gene: APC (APC regulator of Wnt signaling pathway; plus strand). Cytogenetic location: 5q22.2.
Variant type: single nucleotide variant.
Coding change: c.8197C>A on transcript NM_000038.6 (MANE Select); coding-DNA position 8197, C replaced by A.
Protein change: p.Gln2733Lys; replaces glutamine 2733 with lysine.
Molecular consequence: missense variant. On other transcripts: non-coding transcript variant (2).
Genome position (GRCh38, 1-based): chr5:112,843,791, C>A. VCF-style: chr5-112843791-C-A. GRCh37 (hg19) VCF-style: chr5-112179488-C-A.
Other names: c.8197C>A, p.Gln2733Lys (NM_001127510.3, NM_001354895.2, NM_001407450.1); c.8143C>A, p.Gln2715Lys (NM_001127511.3); c.8251C>A, p.Gln2751Lys (NM_001354896.2, NM_001407447.1, NM_001407448.1 and 1 more transcripts); c.8227C>A, p.Gln2743Lys (NM_001354897.2); c.8122C>A, p.Gln2708Lys (NM_001354898.2); c.8113C>A, p.Gln2705Lys (NM_001354899.2); c.8074C>A, p.Gln2692Lys (NM_001354900.2); c.8020C>A, p.Gln2674Lys (NM_001354901.2, NM_001407453.1); and 11 more; short protein forms Q2450K, Q2604K, Q2642K, Q2723K, Q2743K, Q2761K, Q2632K, Q2674K.
Identifiers: ClinVar variation 2586987 (VCV002586987.2), dbSNP rs1429919728, ClinGen allele CA16039124.